The following is an entry in ClinVar:

ClinVar aggregate classification (germline): Uncertain significance. Review status: criteria provided, multiple submitters, no conflicts (2 of 4 stars). 2 submissions from 2 submitters: Uncertain significance (2). Last evaluated 2025-06-16.

Conditions:
Inborn genetic diseases. Identifiers: MedGen C0950123, MeSH D030342.

Allele frequency attached by ClinVar (database versions not stated): ExAC 0.00001; gnomAD exomes 0.00002; gnomAD 0.00006.
gnomAD v4.1: 19 of 1,614,028 alleles (0.0012%); highest among the groups gnomAD compares: Admixed American, 0.032%; no homozygotes.

Submissions (2):

Ambry Genetics
Classification: Uncertain significance for Inborn genetic diseases. Last evaluated: 2025-06-16. Review status: criteria provided, single submitter. Criteria: Ambry Variant Classification Scheme 2023. Collection method: clinical testing. Allele origin: germline.

Labcorp Genetics (formerly Invitae), Labcorp
Classification: Uncertain significance. Last evaluated: 2021-12-03. Review status: criteria provided, single submitter. Criteria: Invitae Variant Classification Sherloc (09022015). Collection method: clinical testing. Allele origin: germline.
Comment: This sequence change replaces aspartic acid, which is acidic and polar, with tyrosine, which is neutral and polar, at codon 107 of the AIMP2 protein (p.Asp107Tyr). This variant is present in population databases (rs754061405, gnomAD 0.01%). This variant has not been reported in the literature in individuals affected with AIMP2-related conditions. Algorithms developed to predict the effect of missense changes on protein structure and function are either unavailable or do not agree on the potential impact of this missense change (SIFT: "Deleterious"; PolyPhen-2: "Probably Damaging"; Align-GVGD: "Class C15"). In summary, the available evidence is currently insufficient to determine the role of this variant in disease. Therefore, it has been classified as a Variant of Uncertain Significance.

NM_006303.4(AIMP2):c.319G>T (p.Asp107Tyr)

Gene: AIMP2 (aminoacyl tRNA synthetase complex interacting multifunctional protein 2; plus strand). Cytogenetic location: 7p22.1.
Variant type: single nucleotide variant.
Coding change: c.319G>T on transcript NM_006303.4 (MANE Select); coding-DNA position 319, G replaced by T.
Protein change: p.Asp107Tyr; replaces aspartic acid 107 with tyrosine.
Molecular consequence: missense variant. On other transcripts: intron variant (1).
Genome position (GRCh38, 1-based): chr7:6,015,329, G>T. VCF-style: chr7-6015329-G-T. GRCh37 (hg19) VCF-style: chr7-6054960-G-T.
Other names: c.199G>T, p.Asp67Tyr (NM_001326606.2); c.85G>T, p.Asp29Tyr (NM_001326609.2, NM_001326610.2, NM_001326611.3); c.232G>T, p.Asp78Tyr (NM_001362785.2); c.187G>T, p.Asp63Tyr (NM_001362787.2); c.136-2485G>T (NM_001326607.2); c.319G>T (NM_006303.3); short protein forms D78Y, D67Y, D107Y, D29Y, D63Y.
Identifiers: ClinVar variation 1422968 (VCV001422968.4), dbSNP rs754061405, ClinGen allele CA4150293.